The following is an entry in ClinVar:

NM_201384.3(PLEC):c.436-123T>C

Gene: PLEC (plectin; minus strand). Cytogenetic location: 8q24.3.
Variant type: single nucleotide variant.
Coding change: c.436-123T>C on transcript NM_201384.3 (MANE Select); 123 bases into the intron before coding-DNA position 436, T replaced by C.
Molecular consequence: intron variant.
Genome position (GRCh38, 1-based): chr8:143,936,137, A>G on the plus strand (T>C on the coding strand, the complement: PLEC is on the minus strand). VCF-style: chr8-143936137-A-G. GRCh37 (hg19) VCF-style: chr8-145010305-A-G.
Other names: c.517-123T>C (NM_000445.5); c.394-123T>C (NM_201378.4); c.370-123T>C (NM_201379.3); c.847-123T>C (NM_201380.4); c.340-123T>C (NM_201381.3); c.436-123T>C (NM_201382.4); c.448-123T>C (NM_201383.3).
Identifiers: ClinVar variation 667888 (VCV000667888.2), dbSNP rs6988767, ClinGen allele CA12780811.

ClinVar aggregate classification (germline): Benign. Review status: criteria provided, multiple submitters, no conflicts (2 of 4 stars). 2 submissions from 2 submitters: Benign (2). Last evaluated 2018-06-14.

Allele frequency attached by ClinVar (database versions not stated): 1000 Genomes Project 0.30531; 1000 Genomes Project 30x 0.30762; gnomAD 0.36880 and 0.37247; TOPMed 0.36023.
gnomAD v4.1: 412,931 of 1,068,546 alleles (39%); highest among the groups gnomAD compares: Middle Eastern, 42%; 81,588 homozygotes.

Submissions (2):

GeneDx
Classification: Benign. Last evaluated: 2018-06-14. Review status: criteria provided, single submitter. Criteria: GeneDx Variant Classification (06012015). Collection method: clinical testing. Allele origin: germline. Affected: yes.
Comment: This variant is considered likely benign or benign based on one or more of the following criteria: it is a conservative change, it occurs at a poorly conserved position in the protein, it is predicted to be benign by multiple in silico algorithms, and/or has population frequency not consistent with disease.

Breakthrough Genomics
Classification: Benign. Review status: criteria provided, single submitter. Criteria: ACMG Guidelines, 2015. Collection method: not provided. Allele origin: germline. Inheritance: Autosomal recessive inheritance. Affected: yes.